The following is an entry in ClinVar:

ClinVar aggregate classification (germline): Uncertain significance (1 of 4 stars; one submission).

Conditions:
Hereditary cancer-predisposing syndrome. Also called: Hereditary neoplastic syndrome; Neoplastic Syndromes, Hereditary; Tumor predisposition; Hereditary Cancer Syndrome. Identifiers: Orphanet 140162, MedGen C0027672, MeSH D009386, MONDO:0015356.

Submission:

Ambry Genetics
Classification: Uncertain significance for Hereditary cancer-predisposing syndrome. Last evaluated: 2025-08-15. Review status: criteria provided, single submitter. Criteria: Ambry Variant Classification Scheme 2023. Collection method: clinical testing. Allele origin: germline.
Comment: The p.A375V variant (also known as c.1124C>T), located in coding exon 8 of the RAD50 gene, results from a C to T substitution at nucleotide position 1124. The alanine at codon 375 is replaced by valine, an amino acid with similar properties. This amino acid position is conserved. In addition, this alteration is predicted to be tolerated by in silico analysis. Based on the available evidence, the clinical significance of this variant remains unclear.

NM_005732.4(RAD50):c.1124C>T (p.Ala375Val)

Gene: RAD50 (RAD50 double strand break repair protein; plus strand). Cytogenetic location: 5q31.1.
Variant type: single nucleotide variant.
Coding change: c.1124C>T on transcript NM_005732.4 (MANE Select); coding-DNA position 1124, C replaced by T.
Protein change: p.Ala375Val; replaces alanine 375 with valine.
Molecular consequence: missense variant.
Genome position (GRCh38, 1-based): chr5:132,588,759, C>T. VCF-style: chr5-132588759-C-T. GRCh37 (hg19) VCF-style: chr5-131924451-C-T.
Other names: short protein forms A375V.
Identifiers: ClinVar variation 4149733 (VCV004149733.1).